The following is an entry in ClinVar:

NM_015041.3(CLUAP1):c.158C>T (p.Pro53Leu)

Gene: CLUAP1 (clusterin associated protein 1; plus strand). Cytogenetic location: 16p13.3.
Variant type: single nucleotide variant.
Coding change: c.158C>T on transcript NM_015041.3 (MANE Select); coding-DNA position 158, C replaced by T.
Protein change: p.Pro53Leu; replaces proline 53 with leucine.
Molecular consequence: missense variant.
Genome position (GRCh38, 1-based): chr16:3,506,354, C>T. VCF-style: chr16-3506354-C-T. GRCh37 (hg19) VCF-style: chr16-3556354-C-T.
Other names: c.158C>T, p.Pro53Leu (NM_001330454.2); c.158C>T (NM_015041.1); short protein forms P53L.
Identifiers: ClinVar variation 1465956 (VCV001465956.10), dbSNP rs199714320, ClinGen allele CA7863630.
Genomic context (GRCh38, chr16:3,506,354, plus strand): 5'-GTTAACCCGTGCTCTCTCCTCTTACCTCTCTTGATAGATATGAGCCCCAGACTGACATCC[C>T]GCCTGACGTGGATACTGAACAGGACCGAGTTTTCTTCATTAAGGCAATTGCCCAGTTCAT-3'
Protein context (NP_055856.1, residues 43-63): VKRYEPQTDI[Pro53Leu]PDVDTEQDRV

ClinVar aggregate classification (germline): Uncertain significance. Review status: criteria provided, multiple submitters, no conflicts (2 of 4 stars). 3 submissions from 3 submitters: Uncertain significance (3). Last evaluated 2025-09-26.

Allele frequency attached by ClinVar (database versions not stated): ExAC 0.00001; gnomAD exomes 0.00001 and 0.00002; gnomAD 0.00002 and 0.00003; TOPMed 0.00002; 1000 Genomes Project 30x 0.00016; 1000 Genomes Project 0.00020.
gnomAD v4.1: 19 of 1,613,992 alleles (0.0012%); highest among the groups gnomAD compares: Middle Eastern, 0.016%; no homozygotes.

Submissions (3):

Ambry Genetics
Classification: Uncertain significance. Last evaluated: 2025-09-26. Review status: criteria provided, single submitter. Criteria: Ambry Variant Classification Scheme 2023. Collection method: clinical testing. Allele origin: germline.

Labcorp Genetics (formerly Invitae), Labcorp
Classification: Uncertain significance. Last evaluated: 2025-05-04. Review status: criteria provided, single submitter. Criteria: Invitae Variant Classification Sherloc (09022015). Collection method: clinical testing. Allele origin: germline.
Comment: This sequence change replaces proline, which is neutral and non-polar, with leucine, which is neutral and non-polar, at codon 53 of the CLUAP1 protein (p.Pro53Leu). This variant is present in population databases (rs199714320, gnomAD 0.01%). This variant has not been reported in the literature in individuals affected with CLUAP1-related conditions. ClinVar contains an entry for this variant (Variation ID: 1465956). Invitae Evidence Modeling of protein sequence and biophysical properties (such as structural, functional, and spatial information, amino acid conservation, physicochemical variation, residue mobility, and thermodynamic stability) indicates that this missense variant is not expected to disrupt CLUAP1 protein function with a negative predictive value of 80%. In summary, the available evidence is currently insufficient to determine the role of this variant in disease. Therefore, it has been classified as a Variant of Uncertain Significance.

Breakthrough Genomics
Classification: Uncertain significance. Review status: criteria provided, single submitter. Criteria: ACMG Guidelines, 2015. Collection method: not provided. Allele origin: germline. Inheritance: Unknown mechanism. Affected: yes.